The following is an entry in ClinVar:

NM_000256.3(MYBPC3):c.122G>A (p.Arg41His)

Gene: MYBPC3 (myosin binding protein C3; minus strand). Cytogenetic location: 11p11.2.
Variant type: single nucleotide variant.
Coding change: c.122G>A on transcript NM_000256.3 (MANE Select); coding-DNA position 122, G replaced by A.
Protein change: p.Arg41His; replaces arginine 41 with histidine.
Molecular consequence: missense variant.
Genome position (GRCh38, 1-based): chr11:47,351,409, C>T on the plus strand (G>A on the coding strand, the complement: MYBPC3 is on the minus strand). VCF-style: chr11-47351409-C-T. GRCh37 (hg19) VCF-style: chr11-47372960-C-T.
Other names: c.122G>A, p.Arg41His (LRG_386t1); short protein forms R41H.
Identifiers: ClinVar variation 237421 (VCV000237421.17), dbSNP rs764849803, ClinGen allele CA043924.

ClinVar aggregate classification (germline): Uncertain significance. Review status: criteria provided, multiple submitters, no conflicts (2 of 4 stars). 6 submissions from 6 submitters: Uncertain significance (6). Last evaluated 2025-12-19.

Conditions:
Cardiovascular phenotype. Identifiers: MedGen CN230736.
Left ventricular noncompaction 10 (LVNC10). Identifiers: Orphanet 154, Orphanet 54260, MedGen C3715165, MONDO:0014163, OMIM 615396.
Hypertrophic cardiomyopathy 4. Also called: Familial hypertrophic cardiomyopathy 4. Identifiers: MedGen C1861862, MONDO:0007268, OMIM 115197.
Cardiomyopathy (CMYO). Also called: Cardiomyopathies. Identifiers: Orphanet 167848, MedGen C0878544, MONDO:0004994, HP:0001638. Inheritance: Various modes of inheritance.
Hypertrophic cardiomyopathy. Also called: HYPERTROPHIC MYOCARDIOPATHY. Identifiers: Orphanet 217569, MedGen C0007194, MeSH D002312, MONDO:0005045, HP:0001639.

Allele frequency attached by ClinVar (database versions not stated): gnomAD 0.00001 and 0.00002; gnomAD exomes 0.00002; TOPMed 0.00003; ExAC 0.00004.
gnomAD v4.1: 18 of 1,609,834 alleles (0.0011%); highest among the groups gnomAD compares: Middle Eastern, 0.016%; no homozygotes.

Submissions (6):

Women's Health and Genetics/Laboratory Corporation of America, LabCorp
Classification: Uncertain significance. Last evaluated: 2025-12-19. Review status: criteria provided, single submitter. Criteria: LabCorp Variant Classification Summary - May 2015. Collection method: clinical testing. Allele origin: germline.
Comment: Variant summary: MYBPC3 c.122G>A (p.Arg41His) results in a non-conservative amino acid change in the encoded protein sequence. Algorithms developed to predict the effect of missense changes on protein structure and function are either unavailable or do not agree on the potential impact of this missense change. The variant allele was found at a frequency of 2.1e-05 in 241090 control chromosomes (genomAD). The available data on variant occurrences in the general population are insufficient to allow any conclusion about variant significance. c.122G>A has been observed in one individual affected with hypertrophic cardiomyopathy (McGurk_2023). These reports do not provide unequivocal conclusions about association of the variant with Cardiomyopathy. To our knowledge, no experimental evidence demonstrating an impact on protein function has been reported. The following publications have been ascertained in the context of this evaluation (PMID: 30425207, 35629155, 37652022). ClinVar contains an entry for this variant (Variation ID: 237421). Based on the evidence outlined above, the variant was classified as uncertain significance.

Color Diagnostics, LLC DBA Color Health
Classification: Uncertain significance for Cardiomyopathy. Last evaluated: 2025-12-11. Review status: criteria provided, single submitter. Criteria: ACMG Guidelines, 2015. Collection method: clinical testing. Allele origin: germline.
Comment: This missense variant replaces arginine with histidine at codon 41 of the MYBPC3 protein. Computational prediction suggests that this variant may not impact protein structure and function. To our knowledge, functional studies have not been reported for this variant. This variant has been reported in an individual referred for genetic testing in cardiomyopathy-associated genes (PMID: 37652022). This variant has been identified in 18/1609834 chromosomes in the general population by the Genome Aggregation Database (gnomAD). The available evidence is insufficient to determine the role of this variant in disease conclusively. Therefore, this variant is classified as a Variant of Uncertain Significance.

Labcorp Genetics (formerly Invitae), Labcorp
Classification: Uncertain significance for Hypertrophic cardiomyopathy. Last evaluated: 2025-01-28. Review status: criteria provided, single submitter. Criteria: Invitae Variant Classification Sherloc (09022015). Collection method: clinical testing. Allele origin: germline.
Comment: This sequence change replaces arginine, which is basic and polar, with histidine, which is basic and polar, at codon 41 of the MYBPC3 protein (p.Arg41His). This variant is present in population databases (rs764849803, gnomAD 0.02%). This missense change has been observed in individual(s) with hypertrophic cardiomyopathy (PMID: 37652022). ClinVar contains an entry for this variant (Variation ID: 237421). An algorithm developed to predict the effect of missense changes on protein structure and function (PolyPhen-2) suggests that this variant is likely to be disruptive. In summary, the available evidence is currently insufficient to determine the role of this variant in disease. Therefore, it has been classified as a Variant of Uncertain Significance.

All of Us Research Program, National Institutes of Health
Classification: Uncertain significance for Hypertrophic cardiomyopathy. Last evaluated: 2024-02-05. Review status: criteria provided, single submitter. Criteria: ACMG Guidelines, 2015. Collection method: clinical testing. Allele origin: germline. Inheritance: Autosomal dominant inheritance. Observed: 6 variant alleles, 6 heterozygotes.
Comment: This missense variant replaces arginine with histidine at codon 41 of the MYBPC3 protein. Computational prediction tool suggests that this variant may not impact protein structure and function (internally defined REVEL score threshold <=0.5, PMID: 27666373). To our knowledge, functional studies have not been performed for this variant. This variant has not been reported in individuals affected with cardiovascular disorders in the literature. This variant has been identified in 6/272486 chromosomes in the general population by the Genome Aggregation Database (gnomAD). The available evidence is insufficient to determine the role of this variant in disease conclusively. Therefore, this variant is classified as a Variant of Uncertain Significance.

This study involves interpretation of variants in research participants for the purpose of population health screening. Participant phenotype was not available at the time of variant classification. Additional details can be found in publication PMID: 35346344, PMCID: PMC8962531

Ambry Genetics
Classification: Uncertain significance for Cardiovascular phenotype. Last evaluated: 2022-12-28. Review status: criteria provided, single submitter. Criteria: Ambry Variant Classification Scheme 2023. Collection method: clinical testing. Allele origin: germline.
Comment: The p.R41H variant (also known as c.122G>A), located in coding exon 2 of the MYBPC3 gene, results from a G to A substitution at nucleotide position 122. The arginine at codon 41 is replaced by histidine, an amino acid with highly similar properties. This variant has been detected in a control individual (Kapplinger JD et al. J Cardiovasc Transl Res, 2014 Apr;7:347-61). This amino acid position is not well conserved in available vertebrate species. In addition, this alteration is predicted to be tolerated by in silico analysis. Since supporting evidence is limited at this time, the clinical significance of this alteration remains unclear.

Fulgent Genetics
Classification: Uncertain significance for Hypertrophic cardiomyopathy 4; Left ventricular noncompaction 10. Last evaluated: 2021-10-09. Review status: criteria provided, single submitter. Criteria: ACMG Guidelines, 2015. Collection method: clinical testing. Allele origin: unknown.

Literature cited by the submitters: PubMed 35629155 (cited by Women's Health and Genetics/Laboratory Corporation of America, LabCorp); PubMed 37652022 (cited by 3 submitters); PubMed 30425207 (cited by Women's Health and Genetics/Laboratory Corporation of America, LabCorp); PubMed 24510615 (cited by Ambry Genetics).